The following is an entry in ClinVar:

ClinVar aggregate classification (germline): Uncertain significance (1 of 4 stars; one submission).

Submission:

Labcorp Genetics (formerly Invitae), Labcorp
Classification: Uncertain significance. Last evaluated: 2024-10-22. Review status: criteria provided, single submitter. Criteria: Invitae Variant Classification Sherloc (09022015). Collection method: clinical testing. Allele origin: germline.
Comment: This sequence change affects codon 52 of the CREB3L3 mRNA. It is a 'silent' change, meaning that it does not change the encoded amino acid sequence of the CREB3L3 protein. This variant also falls at the last nucleotide of exon 2, which is part of the consensus splice site for this exon. This variant is not present in population databases (gnomAD no frequency). This variant has been observed in individual(s) with hypertriglyceridemia (internal data). Variants that disrupt the consensus splice site are a relatively common cause of aberrant splicing (PMID: 17576681, 9536098). Algorithms developed to predict the effect of sequence changes on RNA splicing suggest that this variant may disrupt the consensus splice site. In summary, the available evidence is currently insufficient to determine the role of this variant in disease. Therefore, it has been classified as a Variant of Uncertain Significance.

Literature cited by the submitters: PubMed 17576681; PubMed 9536098.

NM_032607.3(CREB3L3):c.156G>A (p.Gln52=)

Gene: CREB3L3 (cAMP responsive element binding protein 3 like 3; plus strand). Cytogenetic location: 19p13.3.
Variant type: single nucleotide variant.
Coding change: c.156G>A on transcript NM_032607.3 (MANE Select); coding-DNA position 156, G replaced by A.
Protein change: p.Gln52=; no amino-acid change (glutamine 52 retained).
Molecular consequence: synonymous variant.
Genome position (GRCh38, 1-based): chr19:4,155,027, G>A. VCF-style: chr19-4155027-G-A. GRCh37 (hg19) VCF-style: chr19-4155024-G-A.
Other names: c.156G>A, p.Gln52= (NM_001271995.2, NM_001271996.2, NM_001271997.2).
Identifiers: ClinVar variation 3667983 (VCV003667983.2).
Genomic context (GRCh38, chr19:4,155,027, plus strand): 5'-GCAGGACGGCATCCTGAGACACGTGGAGCTGGGCGAGGGCTGGGGTCACGTCAAGGACCA[G>A]GTGAGGAGTCCACTGCAGTTGCCCCGGGACCACAGAGCTCCAGGCGGGCCAACTGAGGCC-3'
Protein context (NP_115996.1, residues 42-62): LGEGWGHVKD[Gln52=]QVLPNPDSDD